The following is an entry in ClinVar:

ClinVar aggregate classification (germline): Uncertain significance (1 of 4 stars; one submission).

Conditions:
Hereditary cancer-predisposing syndrome. Also called: Hereditary Cancer Syndrome; Hereditary neoplastic syndrome; Neoplastic Syndromes, Hereditary; Tumor predisposition. Identifiers: Orphanet 140162, MedGen C0027672, MeSH D009386, MONDO:0015356.

Submission:

Ambry Genetics
Classification: Uncertain significance for Hereditary cancer-predisposing syndrome. Last evaluated: 2025-06-24. Review status: criteria provided, single submitter. Criteria: Ambry Variant Classification Scheme 2023. Collection method: clinical testing. Allele origin: germline.
Comment: The p.Y3098N variant (also known as c.9292T>A), located in coding exon 24 of the BRCA2 gene, results from a T to A substitution at nucleotide position 9292. The tyrosine at codon 3098 is replaced by asparagine, an amino acid with dissimilar properties. This amino acid position is conserved. In addition, the in silico prediction for this alteration is inconclusive. Based on the available evidence, the clinical significance of this variant remains unclear.

NM_000059.4(BRCA2):c.9292T>A (p.Tyr3098Asn)

Gene: BRCA2 (BRCA2 DNA repair associated; plus strand). Cytogenetic location: 13q13.1.
Variant type: single nucleotide variant.
Coding change: c.9292T>A on transcript NM_000059.4 (MANE Select); coding-DNA position 9292, T replaced by A.
Protein change: p.Tyr3098Asn; replaces tyrosine 3098 with asparagine.
Molecular consequence: missense variant. On other transcripts: non-coding transcript variant (1).
Genome position (GRCh38, 1-based): chr13:32,394,724, T>A. VCF-style: chr13-32394724-T-A. GRCh37 (hg19) VCF-style: chr13-32968861-T-A.
Other names: c.9196T>A, p.Tyr3066Asn (NM_001406719.1); c.9241T>A, p.Tyr3081Asn (NM_001406720.1); c.4360T>A, p.Tyr1454Asn (NM_001406721.1); c.2875T>A, p.Tyr959Asn (NM_001406722.1); c.9292T>A, p.Tyr3098Asn (NM_001432077.1); short protein forms Y3066N, Y959N, Y1454N, Y3081N, Y3098N.
Identifiers: ClinVar variation 4215734 (VCV004215734.1).